The following is an entry in ClinVar:

ClinVar aggregate classification (germline): Benign. Review status: reviewed by expert panel (3 of 4 stars). 10 submissions from 10 submitters: Benign (1). 9 of the submissions do not count toward it. Last evaluated 2019-06-18.

Conditions:
BRCA1-related disorder. Also called: BRCA1-related condition.
Familial cancer of breast. Also called: Hereditary breast cancer; hereditary breast carcinoma; BREAST CANCER, FAMILIAL. Identifiers: Orphanet 227535, MedGen C0346153, MONDO:0016419, OMIM 114480. Disease mechanism: loss of function.
Breast-ovarian cancer, familial, susceptibility to, 1 (BROVCA1). Also called: BRCA1 Hereditary Breast and Ovarian Cancer; OVARIAN CANCER, SUSCEPTIBILITY TO. Identifiers: Orphanet 145, MedGen C2676676, MONDO:0011450, OMIM 604370. Disease mechanism: loss of function.
Pancreatic cancer, susceptibility to, 4. Identifiers: Orphanet 1333, MedGen C3280442, MONDO:0013685, OMIM 614320.
Fanconi anemia, complementation group S (FANCS). Identifiers: MedGen C4554406, MONDO:0054748, OMIM 617883.
Hereditary breast ovarian cancer syndrome. Also called: Hereditary breast and/or ovarian cancer syndrome; Breast and ovarian cancer; Hereditary breast and ovarian cancer syndrome; Hereditary breast and ovarian cancer; Hereditary breast and ovarian cancer syndrome (HBOC); BRCA1- and BRCA2-Associated Hereditary Breast and Ovarian Cancer. Identifiers: Orphanet 145, MedGen C0677776, MeSH D061325, MONDO:0003582. Disease mechanism: loss of function.
Malignant tumor of breast. Also called: Malignant breast neoplasm; Cancer breast. Identifiers: MedGen C0006142, MONDO:0007254. Disease mechanism: loss of function.

Allele frequency attached by ClinVar (database versions not stated): gnomAD exomes 0.00003 and 0.00014; gnomAD 0.00004 and 0.00005; TOPMed 0.00007; ExAC 0.00013; 1000 Genomes Project 0.00020; 1000 Genomes Project 30x 0.00031.
gnomAD v4.1: 46 of 1,537,558 alleles (0.003%); highest among the groups gnomAD compares: East Asian, 0.074%; 1 homozygote.

Submissions (12):

Evidence-based Network for the Interpretation of Germline Mutant Alleles (ENIGMA)
Classification: Benign for Breast-ovarian cancer, familial, susceptibility to, 1. Last evaluated: 2019-06-18. Review status: reviewed by expert panel. Criteria: ENIGMA BRCA1/2 Classification Criteria (2017-06-29). Collection method: curation. Allele origin: germline.
Comment: IARC class based on posterior probability from multifactorial likelihood analysis, thresholds for class as per Plon et al. 2008 (PMID: 18951446). Class 1 based on posterior probability = 0.000864

Labcorp Genetics (formerly Invitae), Labcorp
Classification: Likely benign for Hereditary breast ovarian cancer syndrome. Last evaluated: 2026-01-26. Review status: criteria provided, single submitter. Criteria: Invitae Variant Classification Sherloc (09022015). Collection method: clinical testing. Allele origin: germline. Not counted in ClinVar's aggregate classification.

Myriad Genetics, Inc.
Classification: Benign for Breast-ovarian cancer, familial, susceptibility to, 1. Last evaluated: 2023-06-23. Review status: criteria provided, single submitter. Criteria: Myriad Autosomal Dominant, Autosomal Recessive and X-Linked Classification Criteria (2023). Collection method: clinical testing. Allele origin: unknown. Not counted in ClinVar's aggregate classification.
Comment: This variant is considered benign. This variant is strongly associated with less severe personal and family histories of cancer, typical for individuals without pathogenic variants in this gene [PMID: 25085752]. This variant been observed in trans with a known pathogenic variant in one or more individuals. Compound heterozygosity for pathogenic variants in this gene is generally assumed to result in embryonic lethality.

Fulgent Genetics
Classification: Likely benign for Familial cancer of breast; Breast-ovarian cancer, familial, susceptibility to, 1; Pancreatic cancer, susceptibility to, 4; Fanconi anemia, complementation group S. Last evaluated: 2022-03-08. Review status: criteria provided, single submitter. Criteria: ACMG Guidelines, 2015. Collection method: clinical testing. Allele origin: unknown. Not counted in ClinVar's aggregate classification.

Illumina Laboratory Services, Illumina
Classification: Uncertain significance for Breast-ovarian cancer, familial, susceptibility to, 1. Last evaluated: 2017-04-27. Review status: criteria provided, single submitter. Criteria: ICSL Variant Classification Criteria 13 December 2019. Collection method: clinical testing. Allele origin: germline. Not counted in ClinVar's aggregate classification.

GeneDx
Classification: Benign. Last evaluated: 2015-09-01. Review status: criteria provided, single submitter. Criteria: GeneDx Variant Classification (06012015). Collection method: clinical testing. Allele origin: germline. Affected: yes. Not counted in ClinVar's aggregate classification.
Comment: This variant is considered likely benign or benign based on one or more of the following criteria: it is a conservative change, it occurs at a poorly conserved position in the protein, it is predicted to be benign by multiple in silico algorithms, and/or has population frequency not consistent with disease.

PreventionGenetics, part of Exact Sciences
Classification: Likely benign for BRCA1-related condition. Last evaluated: 2024-08-30. Review status: no assertion criteria provided. Collection method: clinical testing. Allele origin: germline. Not counted in ClinVar's aggregate classification.
Comment: This variant is classified as likely benign based on ACMG/AMP sequence variant interpretation guidelines (Richards et al. 2015 PMID: 25741868, with internal and published modifications).

Counsyl
Classification: Uncertain significance for Breast-ovarian cancer, familial, susceptibility to, 1. Last evaluated: 2016-09-13. Review status: no assertion criteria provided. Collection method: clinical testing. Allele origin: unknown. Not counted in ClinVar's aggregate classification.

Breast Cancer Information Core (BIC) (BRCA1)
Classification: Uncertain significance for Breast-ovarian cancer, familial 1. Last evaluated: 2010-09-18. Review status: no assertion criteria provided. Collection method: clinical testing. Allele origin: germline. Affected: yes. Observed: 2 variant alleles. Not counted in ClinVar's aggregate classification.

Brotman Baty Institute, University of Washington
No classification provided (evidence only). Condition: Breast-ovarian cancer, familial 1. Review status: no classification provided. Collection method: in vitro. Allele origin: not applicable. Functional consequence: functionally_normal. Not counted in ClinVar's aggregate classification.
ClinVar note: "not provided" was previously submitted as the classification for the variant. However, the classification appeared to be based only on an observation of functional data so it was converted to no classification on 2025-07-30.

Department of Pathology and Laboratory Medicine, Sinai Health System
Classification: Uncertain significance for Malignant tumor of breast. Review status: no assertion criteria provided. Collection method: clinical testing. Allele origin: unknown. Affected: yes. Observed: 1 variant allele. Study: The Canadian Open Genetics Repository (COGR). Not counted in ClinVar's aggregate classification.
Comment: The BRCA1 c.-19-3A>G variant was not identified in the literature but was identified 2X in the BIC database as a variant of unknown clinical importance. This variant is located in the 3â€šÃ„Ã´ splice region of the BRCA1 5' untranslated region but does not affect the invariant -1 and -2 positions. However, positions -3 and -5 to -12 are part of the splicing consensus sequence and variants involving these positions sometimes affect splicing. In-silico or computational prediction software (SpliceSiteFinder, MaxEntScan, NNSPLICE, GeneSplicer, HumanSpliceFinder) predicts a greater than 10% difference in splicing in 3 of 5 different programs, with the creation of a splice acceptor site 2 nucleotides upstream from the known splice acceptor site. The c.-19-3A>G variant is located in a region that may be involved in promoter or splicing activity, thus this variant may affect the binding of transcription factors and processing or expression of the BRCA1 mRNA transcript; however there is no supporting data for this claim. In summary, the clinical significance of this variant cannot be determined with certainty at this time. Therefore this variant is a variant of unknown significance.

Dr. Peter K. Rogan Lab, Western University
No classification provided (evidence only). Condition: Gastric cancer. Review status: no classification provided. Collection method: in vitro. Allele origin: not applicable. Functional consequence: retained intron. Not counted in ClinVar's aggregate classification.

Literature cited by the submitters: PubMed 31131967 (cited by Evidence-based Network for the Interpretation of Germline Mutant Alleles (ENIGMA)); PubMed 25085752 (cited by Myriad Genetics, Inc.); PubMed 23175448 (cited by Counsyl).

NM_007294.4(BRCA1):c.-19-3A>G

Gene: BRCA1 (BRCA1 DNA repair associated; minus strand). Cytogenetic location: 17q21.31.
Variant type: single nucleotide variant.
Coding change: c.-19-3A>G on transcript NM_007294.4 (MANE Select); 3 bases into the intron before 19 bases upstream of the start codon, A replaced by G.
Molecular consequence: intron variant.
Genome position (GRCh38, 1-based): chr17:43,124,118, T>C on the plus strand (A>G on the coding strand, the complement: BRCA1 is on the minus strand). VCF-style: chr17-43124118-T-C. GRCh37 (hg19) VCF-style: chr17-41276135-T-C.
Other names: IVS1-3A>G; c.-106-3A>G (NM_007297.4); c.-19-3A>G (NM_007299.4, NM_007300.4).
Identifiers: ClinVar variation 125471 (VCV000125471.27), dbSNP rs273898669, ClinGen allele CA001283.